The following is an entry in ClinVar:

NM_001165963.4(SCN1A):c.4015G>A (p.Ala1339Thr)

Genes: SCN1A (sodium voltage-gated channel alpha subunit 1; minus strand), LOC102724058 (uncharacterized LOC102724058; plus strand). Cytogenetic location: 2q24.3.
Variant type: single nucleotide variant.
Coding change: c.4015G>A on transcript NM_001165963.4 (MANE Select); coding-DNA position 4015, G replaced by A.
Protein change: p.Ala1339Thr; replaces alanine 1339 with threonine.
Molecular consequence: missense variant. On other transcripts: non-coding transcript variant (1).
Genome position (GRCh38, 1-based): chr2:166,002,741, C>T on the plus strand (G>A on the coding strand, the complement: SCN1A is on the minus strand). VCF-style: chr2-166002741-C-T. GRCh37 (hg19) VCF-style: chr2-166859251-C-T.
Other names: c.4015G>A, p.Ala1339Thr (NM_001202435.3, NM_001353948.2); c.3982G>A, p.Ala1328Thr (NM_001353949.2, NM_001353950.2, NM_001353951.2 and 2 more transcripts); c.3979G>A, p.Ala1327Thr (NM_001353954.2, NM_001353955.2); c.3931G>A, p.Ala1311Thr (NM_001353957.2, NM_001353958.2, NM_001165964.3); c.3928G>A, p.Ala1310Thr (NM_001353960.2); c.1573G>A, p.Ala525Thr (NM_001353961.2); short protein forms A1328T, A1310T, A1339T, A1311T, A1327T, A525T.
Identifiers: ClinVar variation 3634020 (VCV003634020.2).
Genomic context (GRCh38, chr2:166,002,741, plus strand): 5'-GCCAGAATATAAGACAAACCAGAAGCACATTCATGATGGATGGAATTGCTCCTAAAAGGG[C>T]ATTCACAACCACCTAATACACAAATGGAAAAAAAGAAAAGTCAGAATTCTTATCTGTTAA-3'
Protein context (NP_001159435.1, residues 1329-1349): RFEGMRVVVN[Ala1339Thr]LLGAIPSIMN

ClinVar aggregate classification (germline): Likely pathogenic (1 of 4 stars; one submission).

Conditions:
Early-infantile DEE. Also called: Early infantile epileptic encephalopathy; Ohtahara syndrome; Early infantile epileptic encephalopathy with suppression bursts. Identifiers: Orphanet 1934, MedGen C0393706, MONDO:0800491.

Submission:

Labcorp Genetics (formerly Invitae), Labcorp
Classification: Likely pathogenic for Early-infantile DEE. Last evaluated: 2024-06-22. Review status: criteria provided, single submitter. Criteria: Invitae Variant Classification Sherloc (09022015). Collection method: clinical testing. Allele origin: germline.
Comment: This sequence change replaces alanine, which is neutral and non-polar, with threonine, which is neutral and polar, at codon 1339 of the SCN1A protein (p.Ala1339Thr). This variant is not present in population databases (gnomAD no frequency). This variant has not been reported in the literature in individuals affected with SCN1A-related conditions. Advanced modeling of protein sequence and biophysical properties (such as structural, functional, and spatial information, amino acid conservation, physicochemical variation, residue mobility, and thermodynamic stability) performed at Invitae indicates that this missense variant is expected to disrupt SCN1A protein function with a positive predictive value of 95%. This variant disrupts the p.Ala1339 amino acid residue in SCN1A. Other variant(s) that disrupt this residue have been determined to be pathogenic (PMID: 29655203; Invitae). This suggests that this residue is clinically significant, and that variants that disrupt this residue are likely to be disease-causing. In summary, the currently available evidence indicates that the variant is pathogenic, but additional data are needed to prove that conclusively. Therefore, this variant has been classified as Likely Pathogenic.

Literature cited by the submitters: PubMed 29655203.